The following is an entry in ClinVar:

NM_033131.4(WNT3A):c.513C>A (p.Asp171Glu)

Gene: WNT3A (Wnt family member 3A; plus strand). Cytogenetic location: 1q42.13.
Variant type: single nucleotide variant.
Coding change: c.513C>A on transcript NM_033131.4 (MANE Select); coding-DNA position 513, C replaced by A.
Protein change: p.Asp171Glu; replaces aspartic acid 171 with glutamic acid.
Molecular consequence: missense variant.
Genome position (GRCh38, 1-based): chr1:228,050,855, C>A. VCF-style: chr1-228050855-C-A. GRCh37 (hg19) VCF-style: chr1-228238556-C-A.
Other names: short protein forms D171E.
Identifiers: ClinVar variation 3678788 (VCV003678788.2).

ClinVar aggregate classification (germline): Uncertain significance (1 of 4 stars; one submission).

Submission:

Labcorp Genetics (formerly Invitae), Labcorp
Classification: Uncertain significance. Last evaluated: 2024-03-24. Review status: criteria provided, single submitter. Criteria: Invitae Variant Classification Sherloc (09022015). Collection method: clinical testing. Allele origin: germline.
Comment: This sequence change replaces aspartic acid, which is acidic and polar, with glutamic acid, which is acidic and polar, at codon 171 of the WNT3A protein (p.Asp171Glu). This variant is not present in population databases (gnomAD no frequency). This variant has not been reported in the literature in individuals affected with WNT3A-related conditions. Advanced modeling of protein sequence and biophysical properties (such as structural, functional, and spatial information, amino acid conservation, physicochemical variation, residue mobility, and thermodynamic stability) performed at Invitae indicates that this missense variant is not expected to disrupt WNT3A protein function with a negative predictive value of 80%. In summary, the available evidence is currently insufficient to determine the role of this variant in disease. Therefore, it has been classified as a Variant of Uncertain Significance.